The following is an entry in ClinVar:

NM_003982.4(SLC7A7):c.860T>G (p.Met287Arg)

Gene: SLC7A7 (solute carrier family 7 member 7; minus strand). Cytogenetic location: 14q11.2.
Variant type: single nucleotide variant.
Coding change: c.860T>G on transcript NM_003982.4 (MANE Select); coding-DNA position 860, T replaced by G.
Protein change: p.Met287Arg; replaces methionine 287 with arginine.
Molecular consequence: missense variant.
Genome position (GRCh38, 1-based): chr14:22,776,229, A>C on the plus strand (T>G on the coding strand, the complement: SLC7A7 is on the minus strand). VCF-style: chr14-22776229-A-C. GRCh37 (hg19) VCF-style: chr14-23245438-A-C.
Other names: c.860T>G, p.Met287Arg (NM_001126105.3, NM_001126106.4); short protein forms M287R.
Identifiers: ClinVar variation 850743 (VCV000850743.11), dbSNP rs755142027, ClinGen allele CA7104572.

ClinVar aggregate classification (germline): Uncertain significance. Review status: criteria provided, multiple submitters, no conflicts (2 of 4 stars). 3 submissions from 3 submitters: Uncertain significance (2). 1 of the submissions does not count toward it. Last evaluated 2022-04-22.

Conditions:
Lysinuric protein intolerance (LPI). Identifiers: Orphanet 470, MedGen C0268647, MONDO:0009109, OMIM 222700.

Allele frequency attached by ClinVar (database versions not stated): gnomAD exomes below 0.00001 and 0.00001; ExAC 0.00001; gnomAD 0.00001; TOPMed 0.00001.
gnomAD v4.1: 16 of 1,614,090 alleles (0.00099%); highest among the groups gnomAD compares: Admixed American, 0.0017%; no homozygotes.

Submissions (3):

Fulgent Genetics
Classification: Uncertain significance for Lysinuric protein intolerance. Last evaluated: 2022-04-22. Review status: criteria provided, single submitter. Criteria: ACMG Guidelines, 2015. Collection method: clinical testing. Allele origin: unknown.

Labcorp Genetics (formerly Invitae), Labcorp
Classification: Uncertain significance for Lysinuric protein intolerance. Last evaluated: 2021-08-27. Review status: criteria provided, single submitter. Criteria: Invitae Variant Classification Sherloc (09022015). Collection method: clinical testing. Allele origin: germline.
Comment: This sequence change replaces methionine with arginine at codon 287 of the SLC7A7 protein (p.Met287Arg). The methionine residue is weakly conserved and there is a moderate physicochemical difference between methionine and arginine. This variant is present in population databases (rs755142027, ExAC 0.009%). This variant has not been reported in the literature in individuals affected with SLC7A7-related conditions. Algorithms developed to predict the effect of missense changes on protein structure and function (SIFT, PolyPhen-2, Align-GVGD) all suggest that this variant is likely to be tolerated. Algorithms developed to predict the effect of sequence changes on RNA splicing suggest that this variant may create or strengthen a splice site. In summary, the available evidence is currently insufficient to determine the role of this variant in disease. Therefore, it has been classified as a Variant of Uncertain Significance.

Natera, Inc.
Classification: Uncertain significance for Lysinuric protein intolerance. Last evaluated: 2020-10-19. Review status: no assertion criteria provided. Collection method: clinical testing. Allele origin: germline. Not counted in ClinVar's aggregate classification.